The following is an entry in ClinVar:

ClinVar aggregate classification (germline): Uncertain significance (1 of 4 stars; one submission).

Allele frequency attached by ClinVar (database versions not stated): gnomAD 0.00001.
gnomAD v4.1: 3 of 1,610,058 alleles (0.00019%); highest among the groups gnomAD compares: South Asian, 0.0022%; no homozygotes.

Submission:

Women's Health and Genetics/Laboratory Corporation of America, LabCorp
Classification: Uncertain significance. Last evaluated: 2024-04-04. Review status: criteria provided, single submitter. Criteria: LabCorp Variant Classification Summary - May 2015. Collection method: clinical testing. Allele origin: germline.
Comment: Variant summary: PLOD2 c.2057C>T (p.Pro686Leu) results in a non-conservative amino acid change located in the Oxoglutarate/iron-dependent dioxygenase domain (IPR005123) of the encoded protein sequence. Four of five in-silico tools predict a damaging effect of the variant on protein function. The frequency data for this variant in gnomAD is considered unreliable, as metrics indicate poor data quality at this position. To our knowledge, no occurrence of c.2057C>T in individuals affected with Osteogenesis Imperfecta and no experimental evidence demonstrating its impact on protein function have been reported. No submitters have cited clinical-significance assessments for this variant to ClinVar. Based on the evidence outlined above, the variant was classified as uncertain significance.

NM_182943.3(PLOD2):c.2057C>T (p.Pro686Leu)

Gene: PLOD2 (procollagen-lysine,2-oxoglutarate 5-dioxygenase 2; minus strand). Cytogenetic location: 3q24.
Variant type: single nucleotide variant.
Coding change: c.2057C>T on transcript NM_182943.3 (MANE Select); coding-DNA position 2057, C replaced by T.
Protein change: p.Pro686Leu; replaces proline 686 with leucine.
Molecular consequence: missense variant.
Genome position (GRCh38, 1-based): chr3:146,071,106, G>A on the plus strand (C>T on the coding strand, the complement: PLOD2 is on the minus strand). VCF-style: chr3-146071106-G-A. GRCh37 (hg19) VCF-style: chr3-145788893-G-A.
Other names: c.1994C>T, p.Pro665Leu (NM_000935.3); short protein forms P665L, P686L.
Identifiers: ClinVar variation 3251531 (VCV003251531.1), dbSNP rs1461071943.
Genomic context (GRCh38, chr3:146,071,106, plus strand): 5'-AAGTCTTCTCCCACGTTATTAAGTGCAATGTTTATGGTAAATGTAGAAGCATCATGATGA[G>A]GACGAAGAGAACGCTGTCGTTCAGGGGAGTATTTTACTACAAAATTCAGTAGTGCAAATC-3'
Protein context (NP_891988.1, residues 676-696): YSPERQRSLR[Pro686Leu]HHDASTFTIN